The following is an entry in ClinVar:

NM_206933.4(USH2A):c.6664A>C (p.Thr2222Pro)

Gene: USH2A (usherin; minus strand). Cytogenetic location: 1q41.
Variant type: single nucleotide variant.
Coding change: c.6664A>C on transcript NM_206933.4 (MANE Select); coding-DNA position 6664, A replaced by C.
Protein change: p.Thr2222Pro; replaces threonine 2222 with proline.
Molecular consequence: missense variant.
Genome position (GRCh38, 1-based): chr1:215,993,161, T>G on the plus strand (A>C on the coding strand, the complement: USH2A is on the minus strand). VCF-style: chr1-215993161-T-G. GRCh37 (hg19) VCF-style: chr1-216166503-T-G.
Other names: short protein forms T2222P.
Identifiers: ClinVar variation 4874862 (VCV004874862.2).

ClinVar aggregate classification (germline): Uncertain significance (1 of 4 stars; one submission).

Submission:

CeGaT Center for Human Genetics Tuebingen
Classification: Uncertain significance. Last evaluated: 2026-05-01. Review status: criteria provided, single submitter. Criteria: CeGaT Center For Human Genetics Tuebingen Variant Classification Criteria Version 2. Collection method: clinical testing. Allele origin: germline. Affected: yes. Observed: 1 variant allele.
Comment: USH2A: PM2, PM1:Supporting, PM3:Supporting